The following is an entry in ClinVar:

NM_002880.4(RAF1):c.142C>T (p.Leu48Phe)

Gene: RAF1 (Raf-1 proto-oncogene, serine/threonine kinase; minus strand). Cytogenetic location: 3p25.2.
Variant type: single nucleotide variant.
Coding change: c.142C>T on transcript NM_002880.4 (MANE Select); coding-DNA position 142, C replaced by T.
Protein change: p.Leu48Phe; replaces leucine 48 with phenylalanine.
Molecular consequence: missense variant. On other transcripts: synonymous variant (4), non-coding transcript variant (3).
Genome position (GRCh38, 1-based): chr3:12,618,580, G>A on the plus strand (C>T on the coding strand, the complement: RAF1 is on the minus strand). VCF-style: chr3-12618580-G-A. GRCh37 (hg19) VCF-style: chr3-12660079-G-A.
Other names: c.142C>T, p.Leu48Phe (NM_001354689.3, NM_001354690.3, NM_001354693.3); c.12C>T, p.Asn4= (NM_001354691.3, NM_001354692.3, NM_001354694.3 and 1 more transcripts); short protein forms L48F.
Identifiers: ClinVar variation 4808967 (VCV004808967.1).

ClinVar aggregate classification (germline): Uncertain significance (1 of 4 stars; one submission).

Conditions:
RASopathy. Also called: rasopathies; Noonan spectrum disorder. Identifiers: Orphanet 536391, MedGen C5555857, MONDO:0021060.

gnomAD v4.1: 3 of 1,614,050 alleles (0.00019%); highest among the groups gnomAD compares: Non-Finnish European, 0.00025%; no homozygotes.

Submission:

Labcorp Genetics (formerly Invitae), Labcorp
Classification: Uncertain significance for RASopathy. Last evaluated: 2025-06-01. Review status: criteria provided, single submitter. Criteria: Invitae Variant Classification Sherloc (09022015). Collection method: clinical testing. Allele origin: germline.
Comment: This sequence change replaces leucine, which is neutral and non-polar, with phenylalanine, which is neutral and non-polar, at codon 48 of the RAF1 protein (p.Leu48Phe). This variant is not present in population databases (gnomAD no frequency). This variant has not been reported in the literature in individuals affected with RAF1-related conditions. Invitae Evidence Modeling of protein sequence and biophysical properties (such as structural, functional, and spatial information, amino acid conservation, physicochemical variation, residue mobility, and thermodynamic stability) indicates that this missense variant is not expected to disrupt RAF1 protein function with a negative predictive value of 95%. In summary, the available evidence is currently insufficient to determine the role of this variant in disease. Therefore, it has been classified as a Variant of Uncertain Significance.